The following is an entry in ClinVar:

ClinVar aggregate classification (germline): Uncertain significance. Review status: criteria provided, multiple submitters, no conflicts (2 of 4 stars). 2 submissions from 2 submitters: Uncertain significance (2). Last evaluated 2023-12-01.

Conditions:
Hereditary cancer-predisposing syndrome. Also called: Neoplastic Syndromes, Hereditary; Tumor predisposition; Hereditary Cancer Syndrome; Hereditary neoplastic syndrome. Identifiers: Orphanet 140162, MedGen C0027672, MeSH D009386, MONDO:0015356.
Familial cancer of breast. Also called: BREAST CANCER, FAMILIAL; Hereditary breast cancer; hereditary breast carcinoma. Identifiers: Orphanet 227535, MedGen C0346153, MONDO:0016419, OMIM 114480. Disease mechanism: loss of function.

Allele frequency attached by ClinVar (database versions not stated): gnomAD exomes below 0.00001.
gnomAD v4.1: 3 of 1,611,598 alleles (0.00019%); highest among the groups gnomAD compares: Non-Finnish European, 0.00025%; no homozygotes.

Submissions (2):

Labcorp Genetics (formerly Invitae), Labcorp
Classification: Uncertain significance for Familial cancer of breast. Last evaluated: 2023-12-01. Review status: criteria provided, single submitter. Criteria: Invitae Variant Classification Sherloc (09022015). Collection method: clinical testing. Allele origin: germline.
Comment: This sequence change replaces serine, which is neutral and polar, with arginine, which is basic and polar, at codon 565 of the PALB2 protein (p.Ser565Arg). This variant is not present in population databases (gnomAD no frequency). This variant has not been reported in the literature in individuals affected with PALB2-related conditions. ClinVar contains an entry for this variant (Variation ID: 1778225). Advanced modeling of protein sequence and biophysical properties (such as structural, functional, and spatial information, amino acid conservation, physicochemical variation, residue mobility, and thermodynamic stability) performed at Invitae indicates that this missense variant is not expected to disrupt PALB2 protein function with a negative predictive value of 80%. In summary, the available evidence is currently insufficient to determine the role of this variant in disease. Therefore, it has been classified as a Variant of Uncertain Significance.

Ambry Genetics
Classification: Uncertain significance for Hereditary cancer-predisposing syndrome. Last evaluated: 2021-11-23. Review status: criteria provided, single submitter. Criteria: Ambry Variant Classification Scheme 2023. Collection method: clinical testing. Allele origin: germline.
Comment: The p.S565R variant (also known as c.1695T>A), located in coding exon 5 of the PALB2 gene, results from a T to A substitution at nucleotide position 1695. The serine at codon 565 is replaced by arginine, an amino acid with dissimilar properties. This amino acid position is conserved. In addition, this alteration is predicted to be tolerated by in silico analysis. Since supporting evidence is limited at this time, the clinical significance of this alteration remains unclear.

NM_024675.4(PALB2):c.1695T>A (p.Ser565Arg)

Gene: PALB2 (partner and localizer of BRCA2; minus strand). Cytogenetic location: 16p12.2.
Variant type: single nucleotide variant.
Coding change: c.1695T>A on transcript NM_024675.4 (MANE Select); coding-DNA position 1695, T replaced by A.
Protein change: p.Ser565Arg; replaces serine 565 with arginine.
Molecular consequence: missense variant.
Genome position (GRCh38, 1-based): chr16:23,630,459, A>T on the plus strand (T>A on the coding strand, the complement: PALB2 is on the minus strand). VCF-style: chr16-23630459-A-T. GRCh37 (hg19) VCF-style: chr16-23641780-A-T.
Other names: c.1635T>A, p.Ser545Arg (NM_001407296.1); c.1695T>A, p.Ser565Arg (NM_001407297.1, NM_001407298.1, NM_001407299.1 and 3 more transcripts); c.810T>A, p.Ser270Arg (NM_001407304.1, NM_001407305.1, NM_001407306.1 and 5 more transcripts); c.-94T>A (NM_001407312.1, NM_001407313.1); short protein forms S545R, S565R, S270R.
Identifiers: ClinVar variation 1778225 (VCV001778225.5), dbSNP rs2506439748, ClinGen allele CA395128463.